The following is an entry in ClinVar:

NM_015330.6(SPECC1L):c.2055C>A (p.Asp685Glu)

Genes: SPECC1L-ADORA2A (SPECC1L-ADORA2A readthrough (NMD candidate); plus strand), SPECC1L (sperm antigen with calponin homology and coiled-coil domains 1 like; plus strand). Cytogenetic location: 22q11.23.
Variant type: single nucleotide variant.
Coding change: c.2055C>A on transcript NM_015330.6 (MANE Select); coding-DNA position 2055, C replaced by A.
Protein change: p.Asp685Glu; replaces aspartic acid 685 with glutamic acid.
Molecular consequence: missense variant. On other transcripts: non-coding transcript variant (1).
Genome position (GRCh38, 1-based): chr22:24,324,336, C>A. VCF-style: chr22-24324336-C-A. GRCh37 (hg19) VCF-style: chr22-24720304-C-A.
Other names: c.2055C>A, p.Asp685Glu (NM_001145468.4, NM_001254732.3); short protein forms D685E.
Identifiers: ClinVar variation 3371357 (VCV003371357.1).

ClinVar aggregate classification (germline): Uncertain significance (1 of 4 stars; one submission).

Submission:

GeneDx
Classification: Uncertain significance. Last evaluated: 2024-03-21. Review status: criteria provided, single submitter. Criteria: GeneDx Variant Classification Process June 2021. Collection method: clinical testing. Allele origin: germline. Affected: yes.
Comment: Not observed at significant frequency in large population cohorts (gnomAD); In silico analysis supports that this missense variant does not alter protein structure/function; Has not been previously published as pathogenic or benign to our knowledge